The following is an entry in ClinVar:

NM_000152.5(GAA):c.1876T>G (p.Ser626Ala)

Gene: GAA (alpha glucosidase; plus strand). Cytogenetic location: 17q25.3.
Variant type: single nucleotide variant.
Coding change: c.1876T>G on transcript NM_000152.5 (MANE Select); coding-DNA position 1876, T replaced by G.
Protein change: p.Ser626Ala; replaces serine 626 with alanine.
Molecular consequence: missense variant.
Genome position (GRCh38, 1-based): chr17:80,112,699, T>G. VCF-style: chr17-80112699-T-G. GRCh37 (hg19) VCF-style: chr17-78086498-T-G.
Other names: c.1876T>G (LRG_673t1); c.1876T>G, p.Ser626Ala (NM_001079804.3, NM_001079803.3); short protein forms S626A.
Identifiers: ClinVar variation 526527 (VCV000526527.16), dbSNP rs1235035841, ClinGen allele CA401369746.
Genomic context (GRCh38, chr17:80,112,699, plus strand): 5'-CACGGCCGATACGCCGGCCACTGGACGGGGGACGTGTGGAGCTCCTGGGAGCAGCTCGCC[T>G]CCTCCGTGCCAGGTGAGCTCCTACCAGGAGGGGCTGCTCAGCAGAGTAGAGCCGGGGGCC-3'
Protein context (NP_000143.2, residues 616-636): DVWSSWEQLA[Ser626Ala]SVPEILQFNL

ClinVar aggregate classification (germline): Conflicting classifications of pathogenicity. Review status: criteria provided, conflicting classifications (1 of 4 stars). 5 submissions from 5 submitters: Uncertain significance (3); Likely benign (1). 1 of the submissions does not count toward it. Last evaluated 2025-06-08.

Conditions:
Cardiovascular phenotype. Identifiers: MedGen CN230736.
Glycogen storage disease, type II (IOPD). Also called: CARDIOMEGALIA GLYCOGENICA DIFFUSA; GLYCOGENOSIS, GENERALIZED, CARDIAC FORM; GSD II; POMPE DISEASE, INFANTILE-ONSET; GLYCOGEN STORAGE DISEASE II, INFANTILE-ONSET; ACID ALPHA-GLUCOSIDASE DEFICIENCY, INFANTILE-ONSET. Identifiers: Orphanet 365, MedGen C0017921, MONDO:0009290, OMIM 232300.

Allele frequency attached by ClinVar (database versions not stated): gnomAD exomes below 0.00001 and 0.00001; gnomAD 0.00001; TOPMed 0.00002.
gnomAD v4.1: 3 of 1,608,560 alleles (0.00019%); highest among the groups gnomAD compares: African/African-American, 0.0013%; no homozygotes.

Submissions (5):

Revvity Omics, Revvity
Classification: Uncertain significance. Last evaluated: 2025-06-08. Review status: criteria provided, single submitter. Criteria: ACMG Guidelines, 2015. Collection method: clinical testing. Allele origin: germline.

Ambry Genetics
Classification: Likely benign for Cardiovascular phenotype. Last evaluated: 2025-03-25. Review status: criteria provided, single submitter. Criteria: Ambry Variant Classification Scheme 2023. Collection method: clinical testing. Allele origin: germline.

Labcorp Genetics (formerly Invitae), Labcorp
Classification: Uncertain significance for Glycogen storage disease, type II. Last evaluated: 2022-07-25. Review status: criteria provided, single submitter. Criteria: Invitae Variant Classification Sherloc (09022015). Collection method: clinical testing. Allele origin: germline.
Comment: In summary, the available evidence is currently insufficient to determine the role of this variant in disease. Therefore, it has been classified as a Variant of Uncertain Significance. Advanced modeling of protein sequence and biophysical properties (such as structural, functional, and spatial information, amino acid conservation, physicochemical variation, residue mobility, and thermodynamic stability) performed at Invitae indicates that this missense variant is not expected to disrupt GAA protein function. ClinVar contains an entry for this variant (Variation ID: 526527). This variant has not been reported in the literature in individuals affected with GAA-related conditions. This variant is present in population databases (no rsID available, gnomAD 0.007%). This sequence change replaces serine, which is neutral and polar, with alanine, which is neutral and non-polar, at codon 626 of the GAA protein (p.Ser626Ala).

Fulgent Genetics
Classification: Uncertain significance for Glycogen storage disease, type II. Last evaluated: 2021-09-08. Review status: criteria provided, single submitter. Criteria: ACMG Guidelines, 2015. Collection method: clinical testing. Allele origin: unknown.

Natera, Inc.
Classification: Uncertain significance for Glycogen storage disease type II. Last evaluated: 2019-10-28. Review status: no assertion criteria provided. Collection method: clinical testing. Allele origin: germline. Not counted in ClinVar's aggregate classification.